The following is an entry in ClinVar:

NM_015450.3(POT1):c.903G>T (p.Gln301His)

Gene: POT1 (protection of telomeres 1; minus strand). Cytogenetic location: 7q31.33.
Variant type: single nucleotide variant.
Coding change: c.903G>T on transcript NM_015450.3 (MANE Select); coding-DNA position 903, G replaced by T.
Protein change: p.Gln301His; replaces glutamine 301 with histidine.
Molecular consequence: missense variant. On other transcripts: non-coding transcript variant (3).
Genome position (GRCh38, 1-based): chr7:124,851,918, C>A on the plus strand (G>T on the coding strand, the complement: POT1 is on the minus strand). VCF-style: chr7-124851918-C-A. GRCh37 (hg19) VCF-style: chr7-124491972-C-A.
Other names: p.Gln301His; c.510G>T, p.Gln170His (NM_001042594.2); short protein forms Q301H, Q170H.
Identifiers: ClinVar variation 475112 (VCV000475112.63), dbSNP rs116916706, ClinGen allele CA4465312.
Genomic context (GRCh38, chr7:124,851,918, plus strand): 5'-AAGATTATCCTTACTTGGAAAGCTGTCGTCAGGTTCTGATTGACAGATAACATCTGAATG[C>A]TGATTGGCTGTCAAATTTGCAGATTCTAAATCCCTATAATTGAAAGAATACAATTTCAAA-3'
Protein context (NP_056265.2, residues 291-311): DLESANLTAN[Gln301His]HSDVICQSEP

ClinVar aggregate classification (germline): Conflicting classifications of pathogenicity. Review status: criteria provided, conflicting classifications (1 of 4 stars). 16 submissions from 16 submitters: Uncertain significance (1); Benign (4); Likely benign (8). 3 of the submissions do not count toward it. Last evaluated 2026-09-01.

Conditions:
Tumor predisposition syndrome 3 (TPDS3). Also called: LONG TELOMERE SYNDROME, POT1-RELATED; POT1 Tumor Predisposition; Melanoma, cutaneous malignant, susceptibility to, 10; Glioma susceptibility 9. Identifiers: Orphanet 618, MedGen C4014476, MONDO:0014368, OMIM 615848.
Cerebroretinal microangiopathy with calcifications and cysts 3 (CRMCC3). Identifiers: MedGen C5830497, MONDO:0957264, OMIM 620368.
Pulmonary fibrosis and/or bone marrow failure syndrome, telomere-related, 8 (PFBMFT8). Identifiers: MedGen C5830496, MONDO:0957263, OMIM 620367.
POT1-related disorder. Also called: POT1-related condition.
Hereditary cancer-predisposing syndrome. Also called: Hereditary neoplastic syndrome; Tumor predisposition; Neoplastic Syndromes, Hereditary; Hereditary Cancer Syndrome. Identifiers: Orphanet 140162, MedGen C0027672, MeSH D009386, MONDO:0015356.

Allele frequency attached by ClinVar (database versions not stated): 1000 Genomes Project 0.00160; 1000 Genomes Project 30x 0.00203; ExAC 0.00263; ESP Exome Variant Server 0.00292; gnomAD 0.00301 and 0.00304; TOPMed 0.00302.
gnomAD v4.1: 7,751 of 1,611,322 alleles (0.48%); highest among the groups gnomAD compares: Non-Finnish European, 0.58%; 23 homozygotes.

Submissions (16):

CeGaT Center for Human Genetics Tuebingen
Classification: Likely benign. Last evaluated: 2026-09-01. Review status: criteria provided, single submitter. Criteria: CeGaT Center For Human Genetics Tuebingen Variant Classification Criteria Version 2. Collection method: clinical testing. Allele origin: germline. Affected: yes. Observed: 26 variant alleles.
Comment: POT1: BP4, BS2

Labcorp Genetics (formerly Invitae), Labcorp
Classification: Benign for Tumor predisposition syndrome 3. Last evaluated: 2026-02-03. Review status: criteria provided, single submitter. Criteria: Invitae Variant Classification Sherloc (09022015). Collection method: clinical testing. Allele origin: germline.

Mayo Clinic Laboratories, Mayo Clinic
Classification: Likely benign. Last evaluated: 2025-08-08. Review status: criteria provided, single submitter. Criteria: ACMG Guidelines, 2015. Collection method: clinical testing. Allele origin: germline. Observed: 1 variant allele.
Comment: BS1, BS2, BP4_moderate

Quest Diagnostics Nichols Institute San Juan Capistrano
Classification: Benign. Last evaluated: 2025-05-16. Review status: criteria provided, single submitter. Criteria: Quest Diagnostics criteria. Collection method: clinical testing. Allele origin: unknown.

Center for Genomic Medicine, Rigshospitalet, Copenhagen University Hospital
Classification: Uncertain significance. Last evaluated: 2025-03-04. Review status: criteria provided, single submitter. Criteria: ACMG Guidelines, 2015. Collection method: clinical testing. Allele origin: germline.

ARUP Laboratories, Molecular Genetics and Genomics, ARUP Laboratories
Classification: Likely benign. Last evaluated: 2024-12-03. Review status: criteria provided, single submitter. Criteria: ARUP Molecular Germline Variant Investigation Process 2024. Collection method: clinical testing. Allele origin: germline.

Blueprint Genetics
Classification: Likely benign. Last evaluated: 2024-11-22. Review status: criteria provided, single submitter. Criteria: ACMG Guidelines, 2015. Collection method: clinical testing. Allele origin: germline.

Department of Pathology and Laboratory Medicine, Sinai Health System
Classification: Benign for Tumor predisposition syndrome 3; Pulmonary fibrosis and/or bone marrow failure syndrome, telomere-related, 8; Cerebroretinal microangiopathy with calcifications and cysts 3. Last evaluated: 2023-02-17. Review status: criteria provided, single submitter. Criteria: ACMG Guidelines, 2015. Collection method: clinical testing. Allele origin: germline. Affected: yes.

Genetic Services Laboratory, University of Chicago
Classification: Benign. Last evaluated: 2021-04-08. Review status: criteria provided, single submitter. Criteria: ACMG Guidelines, 2015. Collection method: clinical testing. Allele origin: germline. Affected: no.

Sema4
Classification: Likely benign for Hereditary cancer-predisposing syndrome. Last evaluated: 2021-03-01. Review status: criteria provided, single submitter. Criteria: Sema4 Curation Guidelines. Collection method: curation. Allele origin: germline.

Ambry Genetics
Classification: Likely benign for Hereditary cancer-predisposing syndrome. Last evaluated: 2018-12-24. Review status: criteria provided, single submitter. Criteria: Ambry Variant Classification Scheme 2023. Collection method: clinical testing. Allele origin: germline.

GeneDx
Classification: Likely benign. Last evaluated: 2018-01-19. Review status: criteria provided, single submitter. Criteria: GeneDx Variant Classification (06012015). Collection method: clinical testing. Allele origin: germline. Affected: yes.
Comment: This variant is considered likely benign or benign based on one or more of the following criteria: it is a conservative change, it occurs at a poorly conserved position in the protein, it is predicted to be benign by multiple in silico algorithms, and/or has population frequency not consistent with disease.

Breakthrough Genomics
Classification: Likely benign. Review status: criteria provided, single submitter. Criteria: ACMG Guidelines, 2015. Collection method: not provided. Allele origin: germline. Inheritance: Autosomal dominant inheritance. Affected: yes.

PreventionGenetics, part of Exact Sciences
Classification: Benign for POT1-related condition. Last evaluated: 2019-12-09. Review status: no assertion criteria provided. Collection method: clinical testing. Allele origin: germline. Not counted in ClinVar's aggregate classification.
Comment: This variant is classified as benign based on ACMG/AMP sequence variant interpretation guidelines (Richards et al. 2015 PMID: 25741868, with internal and published modifications).

Clinical Genetics DNA and cytogenetics Diagnostics Lab, Erasmus MC, Erasmus Medical Center
Classification: Likely benign. Review status: no assertion criteria provided. Collection method: clinical testing. Allele origin: germline. Affected: yes. Study: VKGL Data-share Consensus. Not counted in ClinVar's aggregate classification.

Genome Diagnostics Laboratory, University Medical Center Utrecht
Classification: Likely benign. Review status: no assertion criteria provided. Collection method: clinical testing. Allele origin: germline. Affected: yes. Study: VKGL Data-share Consensus. Not counted in ClinVar's aggregate classification.

Literature cited by the submitters: PubMed 30995915 (cited by Mayo Clinic Laboratories, Mayo Clinic); PubMed 29523635 (cited by Quest Diagnostics Nichols Institute San Juan Capistrano and Center for Genomic Medicine, Rigshospitalet, Copenhagen University Hospital); PubMed 36863448 (cited by Quest Diagnostics Nichols Institute San Juan Capistrano); PubMed 36539277 (cited by Quest Diagnostics Nichols Institute San Juan Capistrano); PubMed 37766469 (cited by Quest Diagnostics Nichols Institute San Juan Capistrano); PubMed 30414346 (cited by Quest Diagnostics Nichols Institute San Juan Capistrano); PubMed 32976206 (cited by Center for Genomic Medicine, Rigshospitalet, Copenhagen University Hospital).